The following is an entry in ClinVar:

NM_000138.5(FBN1):c.2657C>G (p.Pro886Arg)

Gene: FBN1 (fibrillin 1; minus strand). Cytogenetic location: 15q21.1.
Variant type: single nucleotide variant.
Coding change: c.2657C>G on transcript NM_000138.5 (MANE Select); coding-DNA position 2657, C replaced by G.
Protein change: p.Pro886Arg; replaces proline 886 with arginine.
Molecular consequence: missense variant.
Genome position (GRCh38, 1-based): chr15:48,495,143, G>C on the plus strand (C>G on the coding strand, the complement: FBN1 is on the minus strand). VCF-style: chr15-48495143-G-C. GRCh37 (hg19) VCF-style: chr15-48787340-G-C.
Other names: c.2657C>G, p.Pro886Arg (NM_001406716.1); short protein forms P886R.
Identifiers: ClinVar variation 3070949 (VCV003070949.1), dbSNP rs1060501083, ClinGen allele CA392332048.

ClinVar aggregate classification (germline): Uncertain significance (1 of 4 stars; one submission).

Conditions:
Marfan syndrome (MFS). Also called: MARFAN SYNDROME, TYPE I; Marfan syndrome type 1; Marfan's syndrome; Marfan syndrome, classic; FBN1-Related Marfan Syndrome. Identifiers: Orphanet 284963, Orphanet 558, MedGen C0024796, MONDO:0007947, OMIM 154700.

Submission:

All of Us Research Program, National Institutes of Health
Classification: Uncertain significance for Marfan syndrome. Last evaluated: 2023-05-15. Review status: criteria provided, single submitter. Criteria: ACMG Guidelines, 2015. Collection method: clinical testing. Allele origin: germline. Inheritance: Autosomal dominant inheritance. Observed: 1 variant allele, 1 heterozygote.
Comment: This missense variant replaces proline with arginine at codon 886 of the FBN1 protein. Computational prediction suggests that this variant may have deleterious impact on protein structure and function (internally defined REVEL score threshold >= 0.7, PMID: 27666373). To our knowledge, functional studies have not been reported for this variant. This variant has not been reported in individuals affected with FBN1-related disorders in the literature. This variant has not been identified in the general population by the Genome Aggregation Database (gnomAD). The available evidence is insufficient to determine the role of this variant in disease conclusively. Therefore, this variant is classified as a Variant of Uncertain Significance.

This study involves interpretation of variants in research participants for the purpose of population health screening. Participant phenotype was not available at the time of variant classification. Additional details can be found in publication PMID: 35346344, PMCID: PMC8962531